The following is an entry in ClinVar:

ClinVar aggregate classification (germline): Uncertain significance (1 of 4 stars; one submission).

Submission:

GeneDx
Classification: Uncertain significance. Last evaluated: 2022-07-01. Review status: criteria provided, single submitter. Criteria: GeneDx Variant Classification Process June 2021. Collection method: clinical testing. Allele origin: germline. Affected: yes.
Comment: Not observed at significant frequency in large population cohorts (gnomAD); In silico analysis supports that this missense variant does not alter protein structure/function; Has not been previously published as pathogenic or benign to our knowledge

NM_001374828.1(ARID1B):c.1651C>G (p.Gln551Glu)

Gene: ARID1B (AT-rich interaction domain 1B; plus strand). Cytogenetic location: 6q25.3.
Variant type: single nucleotide variant.
Coding change: c.1651C>G on transcript NM_001374828.1 (MANE Select); coding-DNA position 1651, C replaced by G.
Protein change: p.Gln551Glu; replaces glutamine 551 with glutamic acid.
Molecular consequence: missense variant.
Genome position (GRCh38, 1-based): chr6:156,779,331, C>G. VCF-style: chr6-156779331-C-G. GRCh37 (hg19) VCF-style: chr6-157100465-C-G.
Other names: c.1402C>G, p.Gln468Glu (NM_001346813.1, NM_020732.3); c.1651C>G, p.Gln551Glu (NM_001371656.1, NM_001374820.1, NM_017519.3); c.1228C>G, p.Gln410Glu (NM_175863.2); short protein forms Q410E, Q468E, Q551E.
Identifiers: ClinVar variation 1809881 (VCV001809881.1), dbSNP rs1583027141, ClinGen allele CA366385261.